The following is an entry in ClinVar:

NM_032043.3(BRIP1):c.2018A>G (p.Gln673Arg)

Gene: BRIP1 (BRCA1 interacting DNA helicase 1; minus strand). Cytogenetic location: 17q23.2.
Variant type: single nucleotide variant.
Coding change: c.2018A>G on transcript NM_032043.3 (MANE Select); coding-DNA position 2018, A replaced by G.
Protein change: p.Gln673Arg; replaces glutamine 673 with arginine.
Molecular consequence: missense variant.
Genome position (GRCh38, 1-based): chr17:61,776,480, T>C on the plus strand (A>G on the coding strand, the complement: BRIP1 is on the minus strand). VCF-style: chr17-61776480-T-C. GRCh37 (hg19) VCF-style: chr17-59853841-T-C.
Other names: short protein forms Q673R.
Identifiers: ClinVar variation 187292 (VCV000187292.28), dbSNP rs786203619, ClinGen allele CA197264.

ClinVar aggregate classification (germline): Uncertain significance. Review status: criteria provided, multiple submitters, no conflicts (2 of 4 stars). 6 submissions from 6 submitters: Uncertain significance (6). Last evaluated 2025-12-24.

Conditions:
Hereditary cancer-predisposing syndrome. Also called: Hereditary Cancer Syndrome; Neoplastic Syndromes, Hereditary; Tumor predisposition; Hereditary neoplastic syndrome. Identifiers: Orphanet 140162, MedGen C0027672, MeSH D009386, MONDO:0015356.
Familial cancer of breast. Also called: BREAST CANCER, FAMILIAL; Hereditary breast cancer; hereditary breast carcinoma. Identifiers: Orphanet 227535, MedGen C0346153, MONDO:0016419, OMIM 114480. Disease mechanism: loss of function.
Fanconi anemia complementation group J. Also called: BRIP1-Related Fanconi Anemia. Identifiers: Orphanet 84, MedGen C1836860, MONDO:0012187, OMIM 609054.

Allele frequency attached by ClinVar (database versions not stated): gnomAD exomes below 0.00001; TOPMed below 0.00001.
gnomAD v4.1: 6 of 1,614,188 alleles (0.00037%); highest among the groups gnomAD compares: Non-Finnish European, 0.00051%; no homozygotes.

Submissions (6):

Labcorp Genetics (formerly Invitae), Labcorp
Classification: Uncertain significance for Familial cancer of breast; Fanconi anemia complementation group J. Last evaluated: 2025-12-24. Review status: criteria provided, single submitter. Criteria: Invitae Variant Classification Sherloc (09022015). Collection method: clinical testing. Allele origin: germline.
Comment: This sequence change replaces glutamine, which is neutral and polar, with arginine, which is basic and polar, at codon 673 of the BRIP1 protein (p.Gln673Arg). This variant is not present in population databases (gnomAD no frequency). This variant has not been reported in the literature in individuals affected with BRIP1-related conditions. ClinVar contains an entry for this variant (Variation ID: 187292). Invitae Evidence Modeling of protein sequence and biophysical properties (such as structural, functional, and spatial information, amino acid conservation, physicochemical variation, residue mobility, and thermodynamic stability) has been performed for this missense variant. However, the output from this modeling did not meet the statistical confidence thresholds required to predict the impact of this variant on BRIP1 protein function. In summary, the available evidence is currently insufficient to determine the role of this variant in disease. Therefore, it has been classified as a Variant of Uncertain Significance.

Ambry Genetics
Classification: Uncertain significance for Hereditary cancer-predisposing syndrome. Last evaluated: 2025-11-21. Review status: criteria provided, single submitter. Criteria: Ambry Variant Classification Scheme 2023. Collection method: clinical testing. Allele origin: germline.
Comment: The p.Q673R variant (also known as c.2018A>G), located in coding exon 13 of the BRIP1 gene, results from an A to G substitution at nucleotide position 2018. The glutamine at codon 673 is replaced by arginine, an amino acid with highly similar properties. This amino acid position is highly conserved in available vertebrate species. In addition, this alteration is predicted to be deleterious by in silico analysis. Since supporting evidence is limited at this time, the clinical significance of this alteration remains unclear.

Color Diagnostics, LLC DBA Color Health
Classification: Uncertain significance for Hereditary cancer-predisposing syndrome. Last evaluated: 2024-10-29. Review status: criteria provided, single submitter. Criteria: ACMG Guidelines, 2015. Collection method: clinical testing. Allele origin: germline.
Comment: This missense variant replaces glutamine with arginine at codon 673 of the BRIP1 protein. Computational prediction is inconclusive regarding the impact of this variant on protein structure and function. To our knowledge, functional studies have not been reported for this variant. This variant has not been reported in individuals affected with hereditary cancer in the literature. This variant has not been identified in the general population by the Genome Aggregation Database (gnomAD). The available evidence is insufficient to determine the role of this variant in disease conclusively. Therefore, this variant is classified as a Variant of Uncertain Significance.

Baylor Genetics
Classification: Uncertain significance for Familial cancer of breast. Last evaluated: 2023-09-11. Review status: criteria provided, single submitter. Criteria: ACMG Guidelines, 2015. Collection method: clinical testing. Allele origin: unknown.

GeneDx
Classification: Uncertain significance. Last evaluated: 2023-06-29. Review status: criteria provided, single submitter. Criteria: GeneDx Variant Classification Process June 2021. Collection method: clinical testing. Allele origin: germline. Affected: yes.
Comment: Not observed in large population cohorts (gnomAD); In silico analysis, which includes protein predictors and evolutionary conservation, supports a deleterious effect; Has not been previously published as pathogenic or benign to our knowledge

Quest Diagnostics Nichols Institute San Juan Capistrano
Classification: Uncertain significance. Last evaluated: 2017-09-15. Review status: criteria provided, single submitter. Criteria: Quest Diagnostics criteria. Collection method: clinical testing. Allele origin: germline.